The following is an entry in ClinVar:

ClinVar aggregate classification (germline): Uncertain significance (1 of 4 stars; one submission).

Allele frequency attached by ClinVar (database versions not stated): ESP Exome Variant Server 0.00015; gnomAD exomes 0.00017 and 0.00030; TOPMed 0.00018; ExAC 0.00019; gnomAD 0.00020 and 0.00022.
gnomAD v4.1: 449 of 1,611,746 alleles (0.028%); highest among the groups gnomAD compares: Non-Finnish European, 0.037%; no homozygotes.

Submission:

Labcorp Genetics (formerly Invitae), Labcorp
Classification: Uncertain significance. Last evaluated: 2025-06-30. Review status: criteria provided, single submitter. Criteria: Invitae Variant Classification Sherloc (09022015). Collection method: clinical testing. Allele origin: germline.
Comment: This sequence change replaces glutamine, which is neutral and polar, with arginine, which is basic and polar, at codon 118 of the ERMARD protein (p.Gln118Arg). This variant is present in population databases (rs17860634, gnomAD 0.04%). This variant has not been reported in the literature in individuals affected with ERMARD-related conditions. ClinVar contains an entry for this variant (Variation ID: 1377667). An algorithm developed to predict the effect of missense changes on protein structure and function (PolyPhen-2) suggests that this variant is likely to be tolerated. In summary, the available evidence is currently insufficient to determine the role of this variant in disease. Therefore, it has been classified as a Variant of Uncertain Significance.

NM_018341.3(ERMARD):c.353A>G (p.Gln118Arg)

Gene: ERMARD (ER membrane associated RNA degradation; plus strand). Cytogenetic location: 6q27.
Variant type: single nucleotide variant.
Coding change: c.353A>G on transcript NM_018341.3 (MANE Select); coding-DNA position 353, A replaced by G.
Protein change: p.Gln118Arg; replaces glutamine 118 with arginine.
Molecular consequence: missense variant. On other transcripts: 5 prime UTR variant (1).
Genome position (GRCh38, 1-based): chr6:169,756,375, A>G. VCF-style: chr6-169756375-A-G. GRCh37 (hg19) VCF-style: chr6-170156471-A-G.
Other names: c.353A>G, p.Gln118Arg (NM_001278531.2, NM_001278533.2); c.-26A>G (NM_001278532.2); short protein forms Q118R.
Identifiers: ClinVar variation 1377667 (VCV001377667.6), dbSNP rs17860634, ClinGen allele CA4105816.
Genomic context (GRCh38, chr6:169,756,375, plus strand): 5'-AATATGTGTTTTATTGTAAATAGTTATTTCCTGAAATATTTGATGCCTTGGAAAGTCTAC[A>G]ATCTCCTGCTATTTCTCTTAGCTTAATGAAACTGACATCGTGTCTAGAACGAGCCTTGGG-3'
Protein context (NP_060811.1, residues 108-128): PEIFDALESL[Gln118Arg]SPAISLSLMK